The following is an entry in ClinVar:

NM_006947.4(SRP72):c.1036G>A (p.Ala346Thr)

Gene: SRP72 (signal recognition particle 72; plus strand). Cytogenetic location: 4q12.
Variant type: single nucleotide variant.
Coding change: c.1036G>A on transcript NM_006947.4 (MANE Select); coding-DNA position 1036, G replaced by A.
Protein change: p.Ala346Thr; replaces alanine 346 with threonine.
Molecular consequence: missense variant. On other transcripts: non-coding transcript variant (1).
Genome position (GRCh38, 1-based): chr4:56,484,814, G>A. VCF-style: chr4-56484814-G-A. GRCh37 (hg19) VCF-style: chr4-57350980-G-A.
Other names: c.853G>A, p.Ala285Thr (NM_001267722.2); short protein forms A285T, A346T.
Identifiers: ClinVar variation 4589592 (VCV004589592.1).

ClinVar aggregate classification (germline): Uncertain significance (1 of 4 stars; one submission).

Submission:

Ambry Genetics
Classification: Uncertain significance. Last evaluated: 2025-10-03. Review status: criteria provided, single submitter. Criteria: Ambry Variant Classification Scheme 2023. Collection method: clinical testing. Allele origin: germline.
Comment: The p.A346T variant (also known as c.1036G>A), located in coding exon 10 of the SRP72 gene, results from a G to A substitution at nucleotide position 1036. The alanine at codon 346 is replaced by threonine, an amino acid with similar properties. This amino acid position is conserved. In addition, the in silico prediction for this alteration is inconclusive. Based on the available evidence, the clinical significance of this variant remains unclear.